The following is an entry in ClinVar:

NM_001126108.2(SLC12A3):c.2251_2252dup (p.Ala752fs)

Gene: SLC12A3 (solute carrier family 12 member 3; plus strand). Cytogenetic location: 16q13.
Variant type: Duplication.
Coding change: c.2251_2252dup on transcript NM_001126108.2 (MANE Select); coding-DNA positions 2251 to 2252, 2 bases duplicated (CC; older notation c.2251_2252dupCC).
Protein change: p.Ala752fs; shifts the reading frame from alanine 752.
Molecular consequence: frameshift variant.
Genome position (GRCh38, 1-based): chr16:56,887,997-56,887,998, CC duplicated; duplicating any 2 consecutive bases within chr16:56,887,996-56,887,998 gives the same sequence; the c. name uses the placement nearest the transcript's 3' end. VCF-style (leftmost placement, unchanged base first): chr16-56887995-A-ACC. GRCh37 (hg19) VCF-style: chr16-56921907-A-ACC.
Other names: c.2251_2252dup, p.Ala752fs (NM_000339.3); c.2248_2249dup, p.Ala751fs (NM_001126107.2, NM_001410896.1); short protein forms A751fs, A752fs.
Identifiers: ClinVar variation 4818202 (VCV004818202.1).

ClinVar aggregate classification (germline): Likely pathogenic (1 of 4 stars; one submission).

Conditions:
Familial hypokalemia-hypomagnesemia (GTLMNS). Also called: POTASSIUM AND MAGNESIUM DEPLETION; HYPOMAGNESEMIA-HYPOKALEMIA, PRIMARY RENOTUBULAR, WITH HYPOCALCIURIA; gitelman syndrome. Identifiers: Orphanet 358, MedGen C0268450, MONDO:0009904, OMIM 263800.

Submission:

Natera, Inc.
Classification: Likely pathogenic for Gitelman syndrome. Last evaluated: 2024-11-07. Review status: criteria provided, single submitter. Criteria: Natera Variant Classification Schema (03/2026). Collection method: clinical testing. Allele origin: germline.
Comment: The c.2251_2252dup variant in SLC12A3 is a frameshift variant predicted to shift the reading frame beginning at codon 752 and leads to a stop codon 24 codons downstream. This variant is expected to result in nonsense mediated decay, truncation, or a dysfunctional protein product. This variant is rare in the general population with a frequency below the threshold expected for the associated phenotype(s). Given the available evidence, this variant is classified as Likely Pathogenic.